The following is an entry in ClinVar:

ClinVar aggregate classification (germline): Uncertain significance (1 of 4 stars; one submission).

gnomAD v4.1: 1 of 1,612,308 alleles (0.000062%); highest among the groups gnomAD compares: Non-Finnish European, 0.000085%; no homozygotes.

Submission:

Women's Health and Genetics/Laboratory Corporation of America, LabCorp
Classification: Uncertain significance. Last evaluated: 2026-03-26. Review status: criteria provided, single submitter. Criteria: LabCorp Variant Classification Summary - May 2015. Collection method: clinical testing. Allele origin: germline.
Comment: Variant summary: CDH11 c.806C>A (p.Pro269Gln) results in a non-conservative amino acid change in the encoded protein sequence. Algorithms developed to predict the effect of missense changes on protein structure and function are either unavailable or do not agree on the potential impact of this missense change. The frequency data for this variant in gnomAD is considered unreliable, as metrics indicate poor data quality at this position. To our knowledge, no occurrence of c.806C>A in individuals affected with CDH11-related conditions and no experimental evidence demonstrating its impact on protein function have been reported. No submitters have cited clinical-significance assessments for this variant to ClinVar. Based on the evidence outlined above, the variant was classified as uncertain significance.

NM_001797.4(CDH11):c.806C>A (p.Pro269Gln)

Gene: CDH11 (cadherin 11; minus strand). Cytogenetic location: 16q21.
Variant type: single nucleotide variant.
Coding change: c.806C>A on transcript NM_001797.4 (MANE Select); coding-DNA position 806, C replaced by A.
Protein change: p.Pro269Gln; replaces proline 269 with glutamine.
Molecular consequence: missense variant.
Genome position (GRCh38, 1-based): chr16:64,991,773, G>T on the plus strand (C>A on the coding strand, the complement: CDH11 is on the minus strand). VCF-style: chr16-64991773-G-T. GRCh37 (hg19) VCF-style: chr16-65025676-G-T.
Other names: c.806C>A, p.Pro269Gln (NM_001308392.2); c.428C>A, p.Pro143Gln (NM_001330576.2); short protein forms P143Q, P269Q.
Identifiers: ClinVar variation 4847660 (VCV004847660.1).